The following is an entry in ClinVar:

NM_006231.4(POLE):c.1921C>T (p.Gln641Ter)

Gene: POLE (DNA polymerase epsilon, catalytic subunit; minus strand). Cytogenetic location: 12q24.33.
Variant type: single nucleotide variant.
Coding change: c.1921C>T on transcript NM_006231.4 (MANE Select); coding-DNA position 1921, C replaced by T.
Protein change: p.Gln641Ter; replaces glutamine 641 with a stop codon.
Molecular consequence: nonsense.
Genome position (GRCh38, 1-based): chr12:132,668,813, G>A on the plus strand (C>T on the coding strand, the complement: POLE is on the minus strand). VCF-style: chr12-132668813-G-A. GRCh37 (hg19) VCF-style: chr12-133245399-G-A.
Other names: short protein forms Q641*.
Identifiers: ClinVar variation 405587 (VCV000405587.12), dbSNP rs1060500777, ClinGen allele CA16613631.

ClinVar aggregate classification (germline): Conflicting classifications of pathogenicity. Review status: criteria provided, conflicting classifications (1 of 4 stars). 2 submissions from 2 submitters: Pathogenic (1); Uncertain significance (1). Last evaluated 2026-01-20.

Conditions:
Hereditary cancer-predisposing syndrome. Also called: Neoplastic Syndromes, Hereditary; Tumor predisposition; Hereditary neoplastic syndrome; Hereditary Cancer Syndrome. Identifiers: Orphanet 140162, MedGen C0027672, MeSH D009386, MONDO:0015356.

Submissions (2):

Ambry Genetics
Classification: Uncertain significance for Hereditary cancer-predisposing syndrome. Last evaluated: 2026-01-20. Review status: criteria provided, single submitter. Criteria: Ambry Variant Classification Scheme 2023. Collection method: clinical testing. Allele origin: germline.
Comment: The p.Q641* variant (also known as c.1921C>T), located in coding exon 17 of the POLE gene, results from a C to T substitution at nucleotide position 1921. This changes the amino acid from a glutamine to a stop codon within coding exon 17. This alteration is expected to result in loss of function by premature protein truncation or nonsense-mediated mRNA decay. Although biallelic loss of function of POLE has been associated with autosomal recessive POLE deficiency, haploinsufficiency of POLE has not been established as a mechanism of disease for POLE-related polymerase proofreading-associated polyposis (PPAP) and POLE-related CMMRD-like syndrome. Based on the supporting evidence, this variant is expected to be causative of POLE deficiency when present along with a second pathogenic variant on the other allele; however, its clinical significance for PPAP and POLE-related CMMRD-like syndrome is unclear.

Labcorp Genetics (formerly Invitae), Labcorp
Classification: Pathogenic. Last evaluated: 2022-05-11. Review status: criteria provided, single submitter. Criteria: Invitae Variant Classification Sherloc (09022015). Collection method: clinical testing. Allele origin: germline.
Comment: This sequence change creates a premature translational stop signal (p.Gln641*) in the POLE gene. It is expected to result in an absent or disrupted protein product. Loss-of-function variants in POLE are known to be pathogenic (PMID: 23230001, 25948378, 30503519). For these reasons, this variant has been classified as Pathogenic. Algorithms developed to predict the effect of sequence changes on RNA splicing suggest that this variant may create or strengthen a splice site. ClinVar contains an entry for this variant (Variation ID: 405587). This variant has not been reported in the literature in individuals affected with POLE-related conditions. This variant is not present in population databases (gnomAD no frequency).

Literature cited by the submitters: PubMed 23230001 (cited by Labcorp Genetics (formerly Invitae), Labcorp); PubMed 25948378 (cited by Labcorp Genetics (formerly Invitae), Labcorp); PubMed 30503519 (cited by Labcorp Genetics (formerly Invitae), Labcorp).